The following is an entry in ClinVar:

NM_198253.3(TERT):c.97C>T (p.Pro33Ser)

Genes: TERT (telomerase reverse transcriptase; minus strand), LOC110806263 (TERT 5' regulatory region; plus strand). Cytogenetic location: 5p15.33.
Variant type: single nucleotide variant.
Coding change: c.97C>T on transcript NM_198253.3 (MANE Select); coding-DNA position 97, C replaced by T.
Protein change: p.Pro33Ser; replaces proline 33 with serine.
Molecular consequence: missense variant. On other transcripts: non-coding transcript variant (2).
Genome position (GRCh38, 1-based): chr5:1,294,893, G>A on the plus strand (C>T on the coding strand, the complement: TERT is on the minus strand). VCF-style: chr5-1294893-G-A. GRCh37 (hg19) VCF-style: chr5-1295008-G-A.
Other names: p.Pro33Ser; c.97C>T, p.Pro33Ser (NM_001193376.3); short protein forms P33S.
Identifiers: ClinVar variation 39127 (VCV000039127.29), dbSNP rs199422289, ClinGen allele CA343464.

ClinVar aggregate classification (germline): Likely risk allele. Review status: no assertion criteria provided (0 of 4 stars). 2 submissions from 2 submitters: Likely risk allele (1). 1 of the submissions does not count toward it. Last evaluated 2022-06-09.

Conditions:
Pulmonary fibrosis. Identifiers: MedGen C0034069, MONDO:0002771, HP:0002206.
Interstitial lung disease 2 (ILD2). Also called: Familial idiopathic pulmonary fibrosis; FIBROCYSTIC PULMONARY DYSPLASIA; FIBROSING ALVEOLITIS, CRYPTOGENIC. Identifiers: Orphanet 2032, Orphanet 79126, MedGen C5561926, MONDO:0800497, OMIM 178500, MONDO:0800029.

Allele frequency attached by ClinVar (database versions not stated): gnomAD exomes below 0.00001.
gnomAD v4.1: 2 of 1,434,914 alleles (0.00014%); highest among the groups gnomAD compares: Non-Finnish European, 0.000091%; no homozygotes.

Submissions (2):

Garcia Pulmonary Genetics Research Laboratory, Columbia University Irving Medical Center
Classification: Likely risk allele for Pulmonary fibrosis. Last evaluated: 2022-06-09. Review status: no assertion criteria provided. Collection method: research. Allele origin: germline. Affected: yes.
Comment: Leukocyte telomere length (by qPCR) less than 10th percentile age-adjusted

GeneReviews
No classification provided. Condition: Interstitial lung disease 2. Review status: no classification provided. Collection method: literature only. Allele origin: unknown. Not counted in ClinVar's aggregate classification.

Literature cited by the submitters: PubMed 20301779 (cited by GeneReviews); NCBI Bookshelf NBK22301 (cited by GeneReviews).